The following is an entry in ClinVar:

ClinVar aggregate classification (germline): Uncertain significance (1 of 4 stars; one submission).

Submission:

CeGaT Center for Human Genetics Tuebingen
Classification: Uncertain significance. Last evaluated: 2023-10-01. Review status: criteria provided, single submitter. Criteria: CeGaT Center For Human Genetics Tuebingen Variant Classification Criteria Version 2. Collection method: clinical testing. Allele origin: germline. Affected: yes. Observed: 1 variant allele.
Comment: SYNE1: PM2, BP4

NM_182961.4(SYNE1):c.8992T>C (p.Cys2998Arg)

Genes: SYNE1 (spectrin repeat containing nuclear envelope protein 1; minus strand), SYNE1-AS1 (SYNE1 antisense RNA 1; plus strand). Cytogenetic location: 6q25.2.
Variant type: single nucleotide variant.
Coding change: c.8992T>C on transcript NM_182961.4 (MANE Select); coding-DNA position 8992, T replaced by C.
Protein change: p.Cys2998Arg; replaces cysteine 2998 with arginine.
Molecular consequence: missense variant.
Genome position (GRCh38, 1-based): chr6:152,381,023, A>G on the plus strand (T>C on the coding strand, the complement: SYNE1 is on the minus strand). VCF-style: chr6-152381023-A-G. GRCh37 (hg19) VCF-style: chr6-152702158-A-G.
Other names: c.9013T>C, p.Cys3005Arg (NM_033071.5); short protein forms C2998R, C3005R.
Identifiers: ClinVar variation 2657023 (VCV002657023.24), dbSNP rs2491617908, ClinGen allele CA366143604.